The following is an entry in ClinVar:

NM_001375405.1(CEP120):c.1492C>T (p.Arg498Trp)

Gene: CEP120 (centrosomal protein 120; minus strand). Cytogenetic location: 5q23.2.
Variant type: single nucleotide variant.
Coding change: c.1492C>T on transcript NM_001375405.1 (MANE Select); coding-DNA position 1492, C replaced by T.
Protein change: p.Arg498Trp; replaces arginine 498 with tryptophan.
Molecular consequence: missense variant. On other transcripts: non-coding transcript variant (1).
Genome position (GRCh38, 1-based): chr5:123,386,606, G>A on the plus strand (C>T on the coding strand, the complement: CEP120 is on the minus strand). VCF-style: chr5-123386606-G-A. GRCh37 (hg19) VCF-style: chr5-122722300-G-A.
Other names: c.1414C>T, p.Arg472Trp (NM_001166226.2); c.1357C>T, p.Arg453Trp (NM_001375406.1); c.1492C>T, p.Arg498Trp (NM_001375407.1, NM_153223.4); c.919C>T, p.Arg307Trp (NM_001375408.1, NM_001375409.1); short protein forms R498W, R453W, R307W, R472W.
Identifiers: ClinVar variation 2037949 (VCV002037949.4), dbSNP rs199509467, ClinGen allele CA3386941.
Genomic context (GRCh38, chr5:123,386,606, plus strand): 5'-GCATAGTTGCAAAATCAAATGCACAGTAAGACTGGGGAAGAAAAACTTCCATGTTTTTCC[G>A]AACTTCTACAGGAGGATTAGTCATAATAGGAGCTGCACTTCCAAAGAATGGATATGAGTA-3'
Protein context (NP_001362334.1, residues 488-508): PIMTNPPVEV[Arg498Trp]KNMEVFLPQS

ClinVar aggregate classification (germline): Uncertain significance (1 of 4 stars; one submission).

Conditions:
Short-rib thoracic dysplasia 13 with or without polydactyly (SRTD13). Identifiers: Orphanet 474, MedGen C4225378, MONDO:0014577, OMIM 616300.

Allele frequency attached by ClinVar (database versions not stated): ExAC 0.00002.

Submission:

Labcorp Genetics (formerly Invitae), Labcorp
Classification: Uncertain significance for Short-rib thoracic dysplasia 13 with or without polydactyly. Last evaluated: 2022-05-16. Review status: criteria provided, single submitter. Criteria: Invitae Variant Classification Sherloc (09022015). Collection method: clinical testing. Allele origin: germline.
Comment: This variant has not been reported in the literature in individuals affected with CEP120-related conditions. This sequence change replaces arginine, which is basic and polar, with tryptophan, which is neutral and slightly polar, at codon 498 of the CEP120 protein (p.Arg498Trp). This variant is present in population databases (rs199509467, gnomAD 0.007%). Algorithms developed to predict the effect of missense changes on protein structure and function are either unavailable or do not agree on the potential impact of this missense change (SIFT: "Deleterious"; PolyPhen-2: "Benign"; Align-GVGD: "Class C25"). In summary, the available evidence is currently insufficient to determine the role of this variant in disease. Therefore, it has been classified as a Variant of Uncertain Significance.